The following is an entry in ClinVar:

NM_003036.4(SKI):c.1774G>C (p.Glu592Gln)

Gene: SKI (SKI proto-oncogene; plus strand). Cytogenetic location: 1p36.32.
Variant type: single nucleotide variant.
Coding change: c.1774G>C on transcript NM_003036.4 (MANE Select); coding-DNA position 1774, G replaced by C.
Protein change: p.Glu592Gln; replaces glutamic acid 592 with glutamine.
Molecular consequence: missense variant.
Genome position (GRCh38, 1-based): chr1:2,306,026, G>C. VCF-style: chr1-2306026-G-C. GRCh37 (hg19) VCF-style: chr1-2237465-G-C.
Other names: short protein forms E592Q.
Identifiers: ClinVar variation 648691 (VCV000648691.8), dbSNP rs1569865485, ClinGen allele CA337957942.

ClinVar aggregate classification (germline): Uncertain significance (1 of 4 stars; one submission).

Conditions:
Shprintzen-Goldberg syndrome (SGS). Also called: SHPRINTZEN-GOLDBERG CRANIOSYNOSTOSIS SYNDROME; CRANIOSYNOSTOSIS WITH ARACHNODACTYLY AND ABDOMINAL HERNIAS; Marfanoid disorder with craniosynostosis type 1; Marfanoid craniosynostosis syndrome; Shprintzen-Goldberg marfanoid syndrome. Identifiers: Orphanet 2462, MedGen C1321551, MONDO:0008426, OMIM 182212.

Allele frequency attached by ClinVar (database versions not stated): gnomAD exomes below 0.00001.
gnomAD v4.1: 1 of 1,579,646 alleles (0.000063%); highest among the groups gnomAD compares: Non-Finnish European, 0.000086%; no homozygotes.

Submission:

Labcorp Genetics (formerly Invitae), Labcorp
Classification: Uncertain significance for Shprintzen-Goldberg syndrome. Last evaluated: 2018-09-03. Review status: criteria provided, single submitter. Criteria: Invitae Variant Classification Sherloc (09022015). Collection method: clinical testing. Allele origin: germline.
Comment: This sequence change replaces glutamic acid with glutamine at codon 592 of the SKI protein (p.Glu592Gln). The glutamic acid residue is moderately conserved and there is a small physicochemical difference between glutamic acid and glutamine. This variant is not present in population databases (ExAC no frequency). This variant has not been reported in the literature in individuals with SKI-related disease. Algorithms developed to predict the effect of missense changes on protein structure and function are either unavailable or do not agree on the potential impact of this missense change (SIFT: "Deleterious"; PolyPhen-2: "Probably Damaging"; Align-GVGD: "Class C0"). In summary, the available evidence is currently insufficient to determine the role of this variant in disease. Therefore, it has been classified as a Variant of Uncertain Significance.